The following is an entry in ClinVar:

ClinVar aggregate classification (germline): Benign. Review status: criteria provided, multiple submitters, no conflicts (2 of 4 stars). 3 submissions from 3 submitters: Benign (2). 1 of the submissions does not count toward it. Last evaluated 2026-01-15.

Conditions:
NSD2-related disorder. Also called: NSD2-related condition; NSD2 related disorders.

Allele frequency attached by ClinVar (database versions not stated): gnomAD exomes 0.00097 and 0.00264; ExAC 0.00318; gnomAD 0.00943 and 0.01007; TOPMed 0.01079; 1000 Genomes Project 0.01098; 1000 Genomes Project 30x 0.01171; ESP Exome Variant Server 0.01184.
gnomAD v4.1: 2,901 of 1,614,142 alleles (0.18%); highest among the groups gnomAD compares: African/African-American, 3.4%; 51 homozygotes.

Submissions (3):

Labcorp Genetics (formerly Invitae), Labcorp
Classification: Benign. Last evaluated: 2026-01-15. Review status: criteria provided, single submitter. Criteria: Invitae Variant Classification Sherloc (09022015). Collection method: clinical testing. Allele origin: germline.

Breakthrough Genomics
Classification: Benign. Review status: criteria provided, single submitter. Criteria: ACMG Guidelines, 2015. Collection method: not provided. Allele origin: germline. Inheritance: Autosomal dominant inheritance. Affected: yes.

PreventionGenetics, part of Exact Sciences
Classification: Benign for NSD2-related condition. Last evaluated: 2019-08-12. Review status: no assertion criteria provided. Collection method: clinical testing. Allele origin: germline. Not counted in ClinVar's aggregate classification.
Comment: This variant is classified as benign based on ACMG/AMP sequence variant interpretation guidelines (Richards et al. 2015 PMID: 25741868, with internal and published modifications).

NM_001042424.3(NSD2):c.3900C>T (p.Pro1300=)

Gene: NSD2 (nuclear receptor binding SET domain protein 2; plus strand). Cytogenetic location: 4p16.3.
Variant type: single nucleotide variant.
Coding change: c.3900C>T on transcript NM_001042424.3 (MANE Select); coding-DNA position 3900, C replaced by T.
Protein change: p.Pro1300=; no amino-acid change (proline 1300 retained).
Molecular consequence: synonymous variant.
Genome position (GRCh38, 1-based): chr4:1,978,711, C>T. VCF-style: chr4-1978711-C-T. GRCh37 (hg19) VCF-style: chr4-1980438-C-T.
Other names: c.3900C>T, p.Pro1300= (NM_133330.3, NM_133331.3, NM_133335.4); c.3900C>T (NM_001042424.2).
Identifiers: ClinVar variation 348448 (VCV000348448.14), dbSNP rs75949599, ClinGen allele CA2812899.
Genomic context (GRCh38, chr4:1,978,711, plus strand): 5'-TCCTTGGCATCATTGTGACGTGTGTGGCAAACCTTCGACTTCATTTTGCCACCTCTGCCC[C>T]AATTCGTTCTGTAAGGAGCACCAGGACGGGACAGCCTTCAGCTGCACCCCGGACGGGCGG-3'
Protein context (NP_001035889.1, residues 1290-1310): KPSTSFCHLC[Pro1300=]NSFCKEHQDG